The following is an entry in ClinVar:

ClinVar aggregate classification (germline): Uncertain significance. Review status: criteria provided, multiple submitters, no conflicts (2 of 4 stars). 2 submissions from 2 submitters: Uncertain significance (2). Last evaluated 2022-10-13.

Allele frequency attached by ClinVar (database versions not stated): gnomAD 0.00001; TOPMed 0.00002.
gnomAD v4.1: 11 of 1,613,874 alleles (0.00068%); highest among the groups gnomAD compares: Admixed American, 0.018%; no homozygotes.

Submissions (2):

Labcorp Genetics (formerly Invitae), Labcorp
Classification: Uncertain significance. Last evaluated: 2022-10-13. Review status: criteria provided, single submitter. Criteria: Invitae Variant Classification Sherloc (09022015). Collection method: clinical testing. Allele origin: germline.
Comment: This sequence change replaces glycine, which is neutral and non-polar, with tryptophan, which is neutral and slightly polar, at codon 461 of the ADGRV1 protein (p.Gly461Trp). This variant is present in population databases (rs371572468, gnomAD 0.02%). This variant has not been reported in the literature in individuals affected with ADGRV1-related conditions. ClinVar contains an entry for this variant (Variation ID: 936256). Advanced modeling of protein sequence and biophysical properties (such as structural, functional, and spatial information, amino acid conservation, physicochemical variation, residue mobility, and thermodynamic stability) performed at Invitae indicates that this missense variant is not expected to disrupt ADGRV1 protein function. In summary, the available evidence is currently insufficient to determine the role of this variant in disease. Therefore, it has been classified as a Variant of Uncertain Significance.

GeneDx
Classification: Uncertain significance. Last evaluated: 2020-02-13. Review status: criteria provided, single submitter. Criteria: GeneDx Variant Classification Process June 2021. Collection method: clinical testing. Allele origin: germline. Affected: yes.
Comment: In silico analysis, which includes protein predictors and evolutionary conservation, supports a deleterious effect; Has not been previously published as pathogenic or benign to our knowledge

NM_032119.4(ADGRV1):c.1381G>T (p.Gly461Trp)

Gene: ADGRV1 (adhesion G protein-coupled receptor V1; plus strand). Cytogenetic location: 5q14.3.
Variant type: single nucleotide variant.
Coding change: c.1381G>T on transcript NM_032119.4 (MANE Select); coding-DNA position 1381, G replaced by T.
Protein change: p.Gly461Trp; replaces glycine 461 with tryptophan.
Molecular consequence: missense variant. On other transcripts: non-coding transcript variant (1).
Genome position (GRCh38, 1-based): chr5:90,628,704, G>T. VCF-style: chr5-90628704-G-T. GRCh37 (hg19) VCF-style: chr5-89924521-G-T.
Other names: short protein forms G461W.
Identifiers: ClinVar variation 936256 (VCV000936256.6), dbSNP rs371572468, ClinGen allele CA3338679.